The following is an entry in ClinVar:

NM_001142800.2(EYS):c.1578C>G (p.Phe526Leu)

Gene: EYS (EGF-like photoreceptor maintenance factor; minus strand). Cytogenetic location: 6q12.
Variant type: single nucleotide variant.
Coding change: c.1578C>G on transcript NM_001142800.2 (MANE Select); coding-DNA position 1578, C replaced by G.
Protein change: p.Phe526Leu; replaces phenylalanine 526 with leucine.
Molecular consequence: missense variant.
Genome position (GRCh38, 1-based): chr6:65,344,059, G>C on the plus strand (C>G on the coding strand, the complement: EYS is on the minus strand). VCF-style: chr6-65344059-G-C. GRCh37 (hg19) VCF-style: chr6-66053952-G-C.
Other names: c.1578C>G, p.Phe526Leu (NM_001142801.2, NM_001292009.2, NM_198283.2); short protein forms F526L.
Identifiers: ClinVar variation 1040052 (VCV001040052.8), dbSNP rs1770300416, ClinGen allele CA364661332.
Genomic context (GRCh38, chr6:65,344,059, plus strand): 5'-AAGAGAAAAATGAAAAGCAACTACATAAAATTACCTTACCTCTTTTGTGCCTTCATGTGG[G>C]AACCAACATGAAGAATTATTATCTTCAGGATCGTTCACATAGGTTGCATCTTCAGTGCAG-3'
Protein context (NP_001136272.1, residues 516-536): DPEDNNSSCW[Phe526Leu]PHEGTKEICA

ClinVar aggregate classification (germline): Uncertain significance (1 of 4 stars; one submission).

Allele frequency attached by ClinVar (database versions not stated): TOPMed below 0.00001; gnomAD exomes 0.00001.
gnomAD v4.1: 5 of 1,610,446 alleles (0.00031%); highest among the groups gnomAD compares: Non-Finnish European, 0.00042%; no homozygotes.

Submission:

Labcorp Genetics (formerly Invitae), Labcorp
Classification: Uncertain significance. Last evaluated: 2023-06-13. Review status: criteria provided, single submitter. Criteria: Invitae Variant Classification Sherloc (09022015). Collection method: clinical testing. Allele origin: germline.
Comment: In summary, the available evidence is currently insufficient to determine the role of this variant in disease. Therefore, it has been classified as a Variant of Uncertain Significance. This sequence change replaces phenylalanine, which is neutral and non-polar, with leucine, which is neutral and non-polar, at codon 526 of the EYS protein (p.Phe526Leu). This variant is not present in population databases (gnomAD no frequency). This variant has not been reported in the literature in individuals affected with EYS-related conditions. ClinVar contains an entry for this variant (Variation ID: 1040052). Algorithms developed to predict the effect of missense changes on protein structure and function output the following: SIFT: "Not Available"; PolyPhen-2: "Possibly Damaging"; Align-GVGD: "Not Available". The leucine amino acid residue is found in multiple mammalian species, which suggests that this missense change does not adversely affect protein function.